The following is an entry in ClinVar:

ClinVar aggregate classification (germline): Benign/Likely benign. Review status: criteria provided, multiple submitters, no conflicts (2 of 4 stars). 3 submissions from 3 submitters: Benign (1); Likely benign (2). Last evaluated 2025-08-18.

Conditions:
Hereditary cancer-predisposing syndrome. Also called: Tumor predisposition; Neoplastic Syndromes, Hereditary; Hereditary Cancer Syndrome; Hereditary neoplastic syndrome. Identifiers: Orphanet 140162, MedGen C0027672, MeSH D009386, MONDO:0015356.
Hereditary leiomyomatosis and renal cell cancer. Also called: LEIOMYOMA, MULTIPLE CUTANEOUS; MULTIPLE CUTANEOUS AND UTERINE LEIOMYOMATA 1, WITH OR WITHOUT RENAL CELL CARCINOMA; FH tumor predisposition syndrome; Reed syndrome; Multiple cutaneous and uterine leiomyomatosis; Cutaneous leiomyomata with uterine leiomyomata. Identifiers: Orphanet 523, MedGen C1708350, MONDO:0007888, OMIM 150800, HP:0007437. Disease mechanism: loss of function.

Allele frequency attached by ClinVar (database versions not stated): TOPMed below 0.00001; ExAC 0.00001; gnomAD 0.00001.
gnomAD v4.1: 1 of 1,613,064 alleles (0.000062%); highest among the groups gnomAD compares: African/African-American, 0.0013%; no homozygotes.

Submissions (3):

Labcorp Genetics (formerly Invitae), Labcorp
Classification: Likely benign. Last evaluated: 2025-08-18. Review status: criteria provided, single submitter. Criteria: Invitae Variant Classification Sherloc (09022015). Collection method: clinical testing. Allele origin: germline.

Myriad Genetics, Inc.
Classification: Benign for Hereditary leiomyomatosis and renal cell cancer. Last evaluated: 2024-10-18. Review status: criteria provided, single submitter. Criteria: Myriad Autosomal Dominant, Autosomal Recessive and X-Linked Classification Criteria (2023). Collection method: clinical testing. Allele origin: unknown.
Comment: This variant is considered benign. This variant is a silent/synonymous amino acid change and it is not expected to impact splicing.

Ambry Genetics
Classification: Likely benign for Hereditary cancer-predisposing syndrome. Last evaluated: 2020-03-22. Review status: criteria provided, single submitter. Criteria: Ambry Variant Classification Scheme 2023. Collection method: clinical testing. Allele origin: germline.

NM_000143.4(FH):c.384T>C (p.Ala128=)

Gene: FH (fumarate hydratase; minus strand). Cytogenetic location: 1q43.
Variant type: single nucleotide variant.
Coding change: c.384T>C on transcript NM_000143.4 (MANE Select); coding-DNA position 384, T replaced by C.
Protein change: p.Ala128=; no amino-acid change (alanine 128 retained).
Molecular consequence: synonymous variant.
Genome position (GRCh38, 1-based): chr1:241,512,138, A>G on the plus strand (T>C on the coding strand, the complement: FH is on the minus strand). VCF-style: chr1-241512138-A-G. GRCh37 (hg19) VCF-style: chr1-241675438-A-G.
Identifiers: ClinVar variation 1735517 (VCV001735517.6), dbSNP rs766368767, ClinGen allele CA1478688.